The following is an entry in ClinVar:

ClinVar aggregate classification (germline): Conflicting classifications of pathogenicity. Review status: criteria provided, conflicting classifications (1 of 4 stars). 3 submissions from 3 submitters: Uncertain significance (2); Benign (1). Last evaluated 2025-12-08.

Conditions:
Palmoplantar keratoderma-esophageal carcinoma syndrome (TOC). Also called: Tylosis with Esophageal Cancer; PALMOPLANTAR KERATODERMA WITH ESOPHAGEAL CANCER; KERATOSIS PALMARIS ET PLANTARIS WITH ESOPHAGEAL CANCER. Identifiers: Orphanet 2198, MedGen C1835664, MONDO:0007856, OMIM 148500.

Allele frequency attached by ClinVar (database versions not stated): gnomAD 0.00006 and 0.00007; gnomAD exomes 0.00006; TOPMed 0.00006; ExAC 0.00008.
gnomAD v4.1: 96 of 1,610,304 alleles (0.006%); highest among the groups gnomAD compares: Middle Eastern, 0.23%; no homozygotes.

Submissions (3):

Labcorp Genetics (formerly Invitae), Labcorp
Classification: Uncertain significance. Last evaluated: 2025-12-08. Review status: criteria provided, single submitter. Criteria: Invitae Variant Classification Sherloc (09022015). Collection method: clinical testing. Allele origin: germline.
Comment: This sequence change replaces alanine, which is neutral and non-polar, with threonine, which is neutral and polar, at codon 818 of the RHBDF2 protein (p.Ala818Thr). This variant is present in population databases (rs770206566, gnomAD 0.03%). This variant has not been reported in the literature in individuals affected with RHBDF2-related conditions. ClinVar contains an entry for this variant (Variation ID: 325421). An algorithm developed to predict the effect of missense changes on protein structure and function (PolyPhen-2) suggests that this variant is likely to be tolerated. In summary, the available evidence is currently insufficient to determine the role of this variant in disease. Therefore, it has been classified as a Variant of Uncertain Significance.

Baylor Genetics
Classification: Uncertain significance for Palmoplantar keratoderma-esophageal carcinoma syndrome. Last evaluated: 2019-03-19. Review status: criteria provided, single submitter. Criteria: ACMG Guidelines, 2015. Collection method: clinical testing. Allele origin: paternal. Affected: yes. Study: CSER-TexasKidsCanSeq.
Comment: This variant was determined to be of uncertain significance according to ACMG Guidelines, 2015 [PMID:25741868].

Illumina Laboratory Services, Illumina
Classification: Benign for Palmoplantar keratoderma-esophageal carcinoma syndrome. Last evaluated: 2018-01-12. Review status: criteria provided, single submitter. Criteria: ICSL Variant Classification Criteria 13 December 2019. Collection method: clinical testing. Allele origin: germline.
Comment: This variant was observed in the ICSL laboratory as part of a predisposition screen in an ostensibly healthy population. It had not been previously curated by ICSL or reported in the Human Gene Mutation Database (HGMD: prior to June 1st, 2018), and was therefore a candidate for classification through an automated scoring system. Utilizing variant allele frequency, disease prevalence and penetrance estimates, and inheritance mode, an automated score was calculated to assess if this variant is too frequent to cause the disease. Based on the score and internal cut-off values, a variant classified as benign is not then subjected to further curation. The score for this variant resulted in a classification of benign for this disease.

NM_001005498.4(RHBDF2):c.2365G>A (p.Ala789Thr)

Gene: RHBDF2 (rhomboid 5 homolog 2; minus strand). Cytogenetic location: 17q25.1.
Variant type: single nucleotide variant.
Coding change: c.2365G>A on transcript NM_001005498.4 (MANE Select); coding-DNA position 2365, G replaced by A.
Protein change: p.Ala789Thr; replaces alanine 789 with threonine.
Molecular consequence: missense variant. On other transcripts: non-coding transcript variant (3).
Genome position (GRCh38, 1-based): chr17:76,471,752, C>T on the plus strand (G>A on the coding strand, the complement: RHBDF2 is on the minus strand). VCF-style: chr17-76471752-C-T. GRCh37 (hg19) VCF-style: chr17-74467834-C-T.
Other names: c.2365G>A, p.Ala789Thr (NM_001376228.1, NM_001376229.1, NM_001376230.1); c.2452G>A, p.Ala818Thr (NM_024599.5); short protein forms A818T, A789T.
Identifiers: ClinVar variation 325421 (VCV000325421.11), dbSNP rs770206566, ClinGen allele CA8786678.